The following is an entry in ClinVar:

NM_016222.4(DDX41):c.572-3T>A

Gene: DDX41 (DEAD-box helicase 41; minus strand). Cytogenetic location: 5q35.3.
Variant type: single nucleotide variant.
Coding change: c.572-3T>A on transcript NM_016222.4 (MANE Select); 3 bases into the intron before coding-DNA position 572, T replaced by A.
Molecular consequence: intron variant.
Genome position (GRCh38, 1-based): chr5:177,515,261, A>T on the plus strand (T>A on the coding strand, the complement: DDX41 is on the minus strand). VCF-style: chr5-177515261-A-T. GRCh37 (hg19) VCF-style: chr5-176942262-A-T.
Other names: c.194-3T>A (NM_001321830.2, NM_001321732.2).
Identifiers: ClinVar variation 3377821 (VCV003377821.1).

ClinVar aggregate classification (germline): Uncertain significance (1 of 4 stars; one submission).

Conditions:
DDX41-related hematologic malignancy predisposition syndrome. Also called: DDX41-Associated Familial Myelodysplastic Syndrome and Acute Myeloid Leukemia; Myeloproliferative/lymphoproliferative neoplasms, familial (multiple types), susceptibility to. Identifiers: Orphanet 488647, MedGen C4225174, MONDO:0014809, OMIM 616871.

gnomAD v4.1: 1 of 1,614,026 alleles (0.000062%); highest among the groups gnomAD compares: Admixed American, 0.0017%; no homozygotes.

Submission:

St. Jude Molecular Pathology, St. Jude Children's Research Hospital
Classification: Uncertain significance for DDX41-related hematologic malignancy predisposition syndrome. Last evaluated: 2024-01-29. Review status: criteria provided, single submitter. Criteria: St. Jude Assertion Criteria 2020. Collection method: clinical testing. Allele origin: germline.
Comment: The DDX41 c.572-3T>A intronic change results from a T to A substitution at the -3 position of intron 6 of the DDX41 gene. Algorithms that predict the impact of sequence changes on splicing indicate that this change may impact splicing, but to our knowledge these predictions have not been confirmed by RNA studies. This variant is absent in gnomAD v2.1.1. To our knowledge, this variant has not been reported in individuals with DDX41-associated familial myeloproliferative/lymphoproliferative neoplasms. In summary, the evidence currently available is insufficient to determine the clinical significance of this variant. It has therefore been classified as of uncertain significance.